The following is an entry in ClinVar:

ClinVar aggregate classification (germline): Uncertain significance (1 of 4 stars; one submission).

Conditions:
Pitt-Hopkins-like syndrome 2 (PTHSL2). Identifiers: Orphanet 221150, Orphanet 600663, MedGen C3280479, MONDO:0013690, OMIM 614325.

Submission:

Labcorp Genetics (formerly Invitae), Labcorp
Classification: Uncertain significance for Pitt-Hopkins-like syndrome 2. Last evaluated: 2025-03-17. Review status: criteria provided, single submitter. Criteria: Invitae Variant Classification Sherloc (09022015). Collection method: clinical testing. Allele origin: germline.
Comment: This sequence change replaces leucine, which is neutral and non-polar, with phenylalanine, which is neutral and non-polar, at codon 478 of the NRXN1 protein (p.Leu478Phe). This variant is not present in population databases (gnomAD no frequency). This variant has not been reported in the literature in individuals affected with NRXN1-related conditions. ClinVar contains an entry for this variant (Variation ID: 1966859). An algorithm developed to predict the effect of missense changes on protein structure and function (PolyPhen-2) suggests that this variant is likely to be disruptive. In summary, the available evidence is currently insufficient to determine the role of this variant in disease. Therefore, it has been classified as a Variant of Uncertain Significance.

NM_001330078.2(NRXN1):c.1312C>T (p.Leu438Phe)

Gene: NRXN1 (neurexin 1; minus strand). Cytogenetic location: 2p16.3.
Variant type: single nucleotide variant.
Coding change: c.1312C>T on transcript NM_001330078.2 (MANE Select); coding-DNA position 1312, C replaced by T.
Protein change: p.Leu438Phe; replaces leucine 438 with phenylalanine.
Molecular consequence: missense variant.
Genome position (GRCh38, 1-based): chr2:50,620,030, G>A on the plus strand (C>T on the coding strand, the complement: NRXN1 is on the minus strand). VCF-style: chr2-50620030-G-A. GRCh37 (hg19) VCF-style: chr2-50847168-G-A.
Other names: c.1432C>T, p.Leu478Phe (NM_001135659.3); c.1288C>T, p.Leu430Phe (NM_001330077.2, NM_001330082.2, NM_001330095.2); c.1273C>T, p.Leu425Phe (NM_001330083.2, NM_001330084.2); c.1312C>T, p.Leu438Phe (NM_001330085.2, NM_001330086.2, NM_004801.6); c.1228C>T, p.Leu410Phe (NM_001330087.2, NM_001330096.2); c.1258C>T, p.Leu420Phe (NM_001330088.2); c.1309C>T, p.Leu437Phe (NM_001330093.2); c.1300C>T, p.Leu434Phe (NM_001330094.2); short protein forms L410F, L430F, L434F, L420F, L425F, L438F, L437F, L478F.
Identifiers: ClinVar variation 1966859 (VCV001966859.5), dbSNP rs192069355, ClinGen allele CA47954304.
Genomic context (GRCh38, chr2:50,620,030, plus strand): 5'-TGAAATGATGAGACCATGAATTAGGAATGATTCTGATGGCAACGATATTTACCTCTTTGA[G>A]ACAGCCCATAAAGTTGTTACTGACTGGTGACCCTGGAAGGTCGGCTGTGCTGGGACTGCC-3'
Protein context (NP_001317007.1, residues 428-448): SPVSNNFMGC[Leu438Phe]KEVVYKNNDV